The following is an entry in ClinVar:

ClinVar aggregate classification (germline): Uncertain significance (1 of 4 stars; one submission).

Conditions:
Primary ciliary dyskinesia. Also called: Ciliary dyskinesia. Identifiers: Orphanet 244, MedGen C0008780, MONDO:0016575, HP:0012265.

Allele frequency attached by ClinVar (database versions not stated): TOPMed below 0.00001; gnomAD 0.00001; gnomAD exomes 0.00001.
gnomAD v4.1: 9 of 1,613,460 alleles (0.00056%); highest among the groups gnomAD compares: East Asian, 0.0022%; no homozygotes.

Submission:

Labcorp Genetics (formerly Invitae), Labcorp
Classification: Uncertain significance for Primary ciliary dyskinesia. Last evaluated: 2021-08-31. Review status: criteria provided, single submitter. Criteria: Invitae Variant Classification Sherloc (09022015). Collection method: clinical testing. Allele origin: germline.
Comment: This sequence change replaces isoleucine with valine at codon 712 of the DNAAF2 protein (p.Ile712Val). The isoleucine residue is moderately conserved and there is a small physicochemical difference between isoleucine and valine. This variant is not present in population databases (ExAC no frequency). This variant has not been reported in the literature in individuals affected with DNAAF2-related conditions. Algorithms developed to predict the effect of missense changes on protein structure and function output the following: SIFT: "Tolerated"; PolyPhen-2: "Benign"; Align-GVGD: "Class C0". The valine amino acid residue is found in multiple mammalian species, which suggests that this missense change does not adversely affect protein function. In summary, the available evidence is currently insufficient to determine the role of this variant in disease. Therefore, it has been classified as a Variant of Uncertain Significance.

NM_018139.3(DNAAF2):c.2134A>G (p.Ile712Val)

Gene: DNAAF2 (dynein axonemal assembly factor 2; minus strand). Cytogenetic location: 14q21.3.
Variant type: single nucleotide variant.
Coding change: c.2134A>G on transcript NM_018139.3 (MANE Select); coding-DNA position 2134, A replaced by G.
Protein change: p.Ile712Val; replaces isoleucine 712 with valine.
Molecular consequence: missense variant. On other transcripts: 5 prime UTR variant (1).
Genome position (GRCh38, 1-based): chr14:49,625,922, T>C on the plus strand (A>G on the coding strand, the complement: DNAAF2 is on the minus strand). VCF-style: chr14-49625922-T-C. GRCh37 (hg19) VCF-style: chr14-50092640-T-C.
Other names: c.1990A>G, p.Ile664Val (NM_001083908.2); c.-78A>G (NM_001378453.1); short protein forms I712V, I664V.
Identifiers: ClinVar variation 454902 (VCV000454902.6), dbSNP rs961303731, ClinGen allele CA260662246.